The following is an entry in ClinVar:

ClinVar aggregate classification (germline): Likely benign (1 of 4 stars; one submission).

Submission:

GeneDx
Classification: Likely benign. Last evaluated: 2016-03-31. Review status: criteria provided, single submitter. Criteria: GeneDx Variant Classification (06012015). Collection method: clinical testing. Allele origin: germline. Affected: yes.
Comment: This variant is considered likely benign or benign based on one or more of the following criteria: it is a conservative change, it occurs at a poorly conserved position in the protein, it is predicted to be benign by multiple in silico algorithms, and/or has population frequency not consistent with disease.

NM_000702.4(ATP1A2):c.1652-6C>T

Gene: ATP1A2 (ATPase Na+/K+ transporting subunit alpha 2; plus strand). Cytogenetic location: 1q23.2.
Variant type: single nucleotide variant.
Coding change: c.1652-6C>T on transcript NM_000702.4 (MANE Select); 6 bases into the intron before coding-DNA position 1652, C replaced by T.
Molecular consequence: intron variant.
Genome position (GRCh38, 1-based): chr1:160,130,416, C>T. VCF-style: chr1-160130416-C-T. GRCh37 (hg19) VCF-style: chr1-160100206-C-T.
Identifiers: ClinVar variation 385073 (VCV000385073.1), dbSNP rs768543626, ClinGen allele CA16603443.